The following is an entry in ClinVar:

NM_004722.4(AP4M1):c.12A>T (p.Gln4His)

Gene: AP4M1 (adaptor related protein complex 4 subunit mu 1; plus strand). Cytogenetic location: 7q22.1.
Variant type: single nucleotide variant.
Coding change: c.12A>T on transcript NM_004722.4 (MANE Select); coding-DNA position 12, A replaced by T.
Protein change: p.Gln4His; replaces glutamine 4 with histidine.
Molecular consequence: missense variant.
Genome position (GRCh38, 1-based): chr7:100,101,726, A>T. VCF-style: chr7-100101726-A-T. GRCh37 (hg19) VCF-style: chr7-99699349-A-T.
Other names: c.12A>T, p.Gln4His (NM_001363671.2); short protein forms Q4H.
Identifiers: ClinVar variation 2062360 (VCV002062360.3), dbSNP rs568292146, ClinGen allele CA4374372.

ClinVar aggregate classification (germline): Uncertain significance. Review status: criteria provided, multiple submitters, no conflicts (2 of 4 stars). 2 submissions from 2 submitters: Uncertain significance (2). Last evaluated 2026-01-02.

Conditions:
Inborn genetic diseases. Identifiers: MedGen C0950123, MeSH D030342.
Hereditary spastic paraplegia 50 (SPG50). Also called: Spastic paraplegia 50, autosomal recessive. Identifiers: Orphanet 280763, MedGen C2752008, MONDO:0013048, OMIM 612936.

Allele frequency attached by ClinVar (database versions not stated): 1000 Genomes Project 30x 0.00016; 1000 Genomes Project 0.00020.
gnomAD v4.1: 14 of 1,584,610 alleles (0.00088%); highest among the groups gnomAD compares: East Asian, 0.032%; no homozygotes.

Submissions (2):

Labcorp Genetics (formerly Invitae), Labcorp
Classification: Uncertain significance for Hereditary spastic paraplegia 50. Last evaluated: 2026-01-02. Review status: criteria provided, single submitter. Criteria: Invitae Variant Classification Sherloc (09022015). Collection method: clinical testing. Allele origin: germline.
Comment: This sequence change replaces glutamine, which is neutral and polar, with histidine, which is basic and polar, at codon 4 of the AP4M1 protein (p.Gln4His). This variant is present in population databases (rs568292146, gnomAD 0.09%). This variant has not been reported in the literature in individuals affected with AP4M1-related conditions. ClinVar contains an entry for this variant (Variation ID: 2062360). Invitae Evidence Modeling of protein sequence and biophysical properties (such as structural, functional, and spatial information, amino acid conservation, physicochemical variation, residue mobility, and thermodynamic stability) has been performed for this missense variant. However, the output from this modeling did not meet the statistical confidence thresholds required to predict the impact of this variant on AP4M1 protein function. In summary, the available evidence is currently insufficient to determine the role of this variant in disease. Therefore, it has been classified as a Variant of Uncertain Significance.

Ambry Genetics
Classification: Uncertain significance for Inborn genetic diseases. Last evaluated: 2024-04-12. Review status: criteria provided, single submitter. Criteria: Ambry Variant Classification Scheme 2023. Collection method: clinical testing. Allele origin: germline.